The following is an entry in ClinVar:

NC_000002.11:g.(?_170382075)_(170382206_?)del

Gene: KLHL41 (kelch like family member 41; plus strand). Cytogenetic location: 2q31.1.
Variant type: Deletion.
Identifiers: ClinVar variation 3247403 (VCV003247403.1).

ClinVar aggregate classification (germline): Uncertain significance (1 of 4 stars; one submission).

Conditions:
Nemaline myopathy 9 (NEM9). Identifiers: MedGen C3810384, MONDO:0014326, OMIM 615731.

Submission:

Labcorp Genetics (formerly Invitae), Labcorp
Classification: Uncertain significance for Nemaline myopathy 9. Last evaluated: 2023-11-02. Review status: criteria provided, single submitter. Criteria: Invitae Variant Classification Sherloc (09022015). Collection method: clinical testing. Allele origin: unknown.
Comment: This variant is a gross deletion of the genomic region encompassing exon(s) 6 of the KLHL41 gene, which includes the termination codon. This deletion extends beyond the assayed region for this gene and therefore may encompass additional genes. While this deletion is not anticipated to lead to nonsense mediated decay, it is expected to alter mRNA translation or result in a truncated protein product. This variant has not been reported in the literature in individuals affected with KLHL41-related conditions. This variant disrupts a region of the KLHL41 protein in which other variant(s) (p.Lys583Thrfs*7) have been observed in individuals with KLHL41-related conditions (PMID: 24268659). This suggests that this is a clinically significant region of the protein, and that variants that disrupt it are likely to be disease-causing. In summary, the available evidence is currently insufficient to determine the role of this variant in disease. Therefore, it has been classified as a Variant of Uncertain Significance.

Literature cited by the submitters: PubMed 24268659.